The following is an entry in ClinVar:

ClinVar aggregate classification (germline): Uncertain significance (1 of 4 stars; one submission).

gnomAD v4.1: 1 of 1,612,358 alleles (0.000062%); highest among the groups gnomAD compares: Non-Finnish European, 0.000085%; no homozygotes.

Submission:

CeGaT Center for Human Genetics Tuebingen
Classification: Uncertain significance. Last evaluated: 2025-02-01. Review status: criteria provided, single submitter. Criteria: CeGaT Center For Human Genetics Tuebingen Variant Classification Criteria Version 2. Collection method: clinical testing. Allele origin: germline. Affected: yes. Observed: 1 variant allele.
Comment: CFTR: PM2

NM_000492.4(CFTR):c.1489A>G (p.Ile497Val)

Genes: CFTR (CF transmembrane conductance regulator; plus strand), CFTR-AS1 (CFTR antisense RNA 1; minus strand). Cytogenetic location: 7q31.2.
Variant type: single nucleotide variant.
Coding change: c.1489A>G on transcript NM_000492.4 (MANE Select); coding-DNA position 1489, A replaced by G.
Protein change: p.Ile497Val; replaces isoleucine 497 with valine.
Molecular consequence: missense variant.
Genome position (GRCh38, 1-based): chr7:117,559,560, A>G. VCF-style: chr7-117559560-A-G. GRCh37 (hg19) VCF-style: chr7-117199614-A-G.
Other names: short protein forms I497V.
Identifiers: ClinVar variation 3771871 (VCV003771871.13).